The following is an entry in ClinVar:

ClinVar aggregate classification (germline): Uncertain significance (1 of 4 stars; one submission).

Conditions:
Hereditary hemorrhagic telangiectasia (HHT). Also called: ORW DISEASE; Osler Weber Rendu syndrome; OSLER-RENDU-WEBER DISEASE; Osler hemorrhagic telangiectasia syndrome. Identifiers: Orphanet 774, MedGen C0039445, MONDO:0019180. Disease mechanism: loss of function.

gnomAD v4.1: 3 of 1,595,952 alleles (0.00019%); highest among the groups gnomAD compares: East Asian, 0.0023%; no homozygotes.

Submission:

Labcorp Genetics (formerly Invitae), Labcorp
Classification: Uncertain significance for Hereditary hemorrhagic telangiectasia. Last evaluated: 2023-11-07. Review status: criteria provided, single submitter. Criteria: Invitae Variant Classification Sherloc (09022015). Collection method: clinical testing. Allele origin: germline.
Comment: This sequence change replaces alanine, which is neutral and non-polar, with valine, which is neutral and non-polar, at codon 11 of the ENG protein (p.Ala11Val). The frequency data for this variant in the population databases is considered unreliable, as metrics indicate poor data quality at this position in the gnomAD database. This variant has not been reported in the literature in individuals affected with ENG-related conditions. Advanced modeling of protein sequence and biophysical properties (such as structural, functional, and spatial information, amino acid conservation, physicochemical variation, residue mobility, and thermodynamic stability) performed at Invitae indicates that this missense variant is not expected to disrupt ENG protein function with a negative predictive value of 95%. In summary, the available evidence is currently insufficient to determine the role of this variant in disease. Therefore, it has been classified as a Variant of Uncertain Significance.

NM_001114753.3(ENG):c.32C>T (p.Ala11Val)

Gene: ENG (endoglin; minus strand). Cytogenetic location: 9q34.11.
Variant type: single nucleotide variant.
Coding change: c.32C>T on transcript NM_001114753.3 (MANE Select); coding-DNA position 32, C replaced by T.
Protein change: p.Ala11Val; replaces alanine 11 with valine.
Molecular consequence: missense variant.
Genome position (GRCh38, 1-based): chr9:127,854,324, G>A on the plus strand (C>T on the coding strand, the complement: ENG is on the minus strand). VCF-style: chr9-127854324-G-A. GRCh37 (hg19) VCF-style: chr9-130616603-G-A.
Other names: c.32C>T, p.Ala11Val (NM_000118.4, NM_001406715.1); short protein forms A11V.
Identifiers: ClinVar variation 2974140 (VCV002974140.3), dbSNP rs1260757465, ClinGen allele CA374989612.